The following is an entry in ClinVar:

ClinVar aggregate classification (germline): Uncertain significance. Review status: criteria provided, multiple submitters, no conflicts (2 of 4 stars). 2 submissions from 2 submitters: Uncertain significance (2). Last evaluated 2025-11-27.

Conditions:
KIF23-related disorder. Also called: KIF23-related condition.

Submissions (2):

Labcorp Genetics (formerly Invitae), Labcorp
Classification: Uncertain significance. Last evaluated: 2025-11-27. Review status: criteria provided, single submitter. Criteria: Invitae Variant Classification Sherloc (09022015). Collection method: clinical testing. Allele origin: germline.
Comment: This variant, c.556_558del, results in the deletion of 1 amino acid(s) of the KIF23 protein (p.Ser187del), but otherwise preserves the integrity of the reading frame. This variant is present in population databases (rs750863600, gnomAD 0.009%). This variant has not been reported in the literature in individuals affected with KIF23-related conditions. Experimental studies and prediction algorithms are not available or were not evaluated, and the functional significance of this variant is currently unknown. In summary, the available evidence is currently insufficient to determine the role of this variant in disease. Therefore, it has been classified as a Variant of Uncertain Significance.

PreventionGenetics, part of Exact Sciences
Classification: Uncertain significance for KIF23-related condition. Last evaluated: 2024-12-06. Review status: criteria provided, single submitter. Criteria: ACMG Guidelines, 2015. Collection method: clinical testing. Allele origin: germline.
Comment: The KIF23 c.556_558delTCT variant is predicted to result in an in-frame deletion (p.Ser187del). To our knowledge, this variant has not been reported in the literature. This variant is reported in 0.0080% of alleles in individuals of African descent in gnomAD. At this time, the clinical significance of this variant is uncertain due to the absence of conclusive functional and genetic evidence.

NM_001367805.3(KIF23):c.553TCT[1] (p.Ser187del)

Gene: KIF23 (kinesin family member 23; plus strand). Cytogenetic location: 15q23.
Variant type: Microsatellite.
Coding change: c.553TCT[1] on transcript NM_001367805.3 (MANE Select); one copy of the 3-base unit TCT starting at c.553; the reference has two copies in a row; one copy, 3 bases deleted.
Protein change: p.Ser187del; deletes serine 187.
Molecular consequence: inframe deletion. On other transcripts: non-coding transcript variant (2).
Genome position (GRCh38, 1-based): chr15:69,422,428-69,422,430, TCT deleted; deleting any 3 consecutive bases within chr15:69,422,423-69,422,430 gives the same sequence; the position shown is the placement nearest the transcript's 3' end. VCF-style (leftmost placement, unchanged base first): chr15-69422422-ACTT-A. GRCh37 (hg19) VCF-style: chr15-69714761-ACTT-A.
Other names: c.223TCT[1], p.Ser77del (NM_001281301.2); c.553TCT[1], p.Ser187del (NM_001367804.2, NM_004856.7, NM_138555.4); c.556_558delTCT (NM_138555.3); short protein forms S77del, S187del.
Identifiers: ClinVar variation 2909426 (VCV002909426.4), dbSNP rs750863600, ClinGen allele CA7634931.